The following is an entry in ClinVar:

NC_000016.10:g.3578332C>T

Gene: NLRC3 (NLR family CARD domain containing 3; minus strand). Cytogenetic location: 16p13.3.
Variant type: single nucleotide variant.
Genome position: GRCh38 VCF-style: chr16-3578332-C-T. GRCh37 (hg19) VCF-style: chr16-3628333-C-T.
Identifiers: ClinVar variation 102968 (VCV000102968.2), dbSNP rs199475927, ClinGen allele CA229934.

ClinVar aggregate classification (germline): not provided (0 of 4 stars; one submission).

Allele frequency attached by ClinVar (database versions not stated): TOPMed below 0.00001; gnomAD 0.00001.

Submission:

Human Evolutionary Genetics, Institut Pasteur
No classification provided. Review status: no classification provided. Collection method: not provided. Allele origin: germline.
ClinVar note: Converted during submission from untested to not provided.